The following is an entry in ClinVar:

ClinVar aggregate classification (germline): Uncertain significance (1 of 4 stars; one submission).

Conditions:
Adams-Oliver syndrome 5 (AOS5). Identifiers: Orphanet 974, MedGen C4014970, MONDO:0014459, OMIM 616028.

gnomAD v4.1: 4 of 1,608,428 alleles (0.00025%); highest among the groups gnomAD compares: Non-Finnish European, 0.00025%; no homozygotes.

Submission:

Labcorp Genetics (formerly Invitae), Labcorp
Classification: Uncertain significance for Adams-Oliver syndrome 5. Last evaluated: 2026-01-19. Review status: criteria provided, single submitter. Criteria: Invitae Variant Classification Sherloc (09022015). Collection method: clinical testing. Allele origin: germline.
Comment: This sequence change replaces proline, which is neutral and non-polar, with arginine, which is basic and polar, at codon 2122 of the NOTCH1 protein (p.Pro2122Arg). This variant is present in population databases (no rsID available, gnomAD 0.0009%). This variant has not been reported in the literature in individuals affected with NOTCH1-related conditions. ClinVar contains an entry for this variant (Variation ID: 2832860). Invitae Evidence Modeling of protein sequence and biophysical properties (such as structural, functional, and spatial information, amino acid conservation, physicochemical variation, residue mobility, and thermodynamic stability) indicates that this missense variant is not expected to disrupt NOTCH1 protein function with a negative predictive value of 80%. In summary, the available evidence is currently insufficient to determine the role of this variant in disease. Therefore, it has been classified as a Variant of Uncertain Significance.

NM_017617.5(NOTCH1):c.6365C>G (p.Pro2122Arg)

Gene: NOTCH1 (notch receptor 1; minus strand). Cytogenetic location: 9q34.3.
Variant type: single nucleotide variant.
Coding change: c.6365C>G on transcript NM_017617.5 (MANE Select); coding-DNA position 6365, C replaced by G.
Protein change: p.Pro2122Arg; replaces proline 2122 with arginine.
Molecular consequence: missense variant.
Genome position (GRCh38, 1-based): chr9:136,497,374, G>C on the plus strand (C>G on the coding strand, the complement: NOTCH1 is on the minus strand). VCF-style: chr9-136497374-G-C. GRCh37 (hg19) VCF-style: chr9-139391826-G-C.
Other names: short protein forms P2122R.
Identifiers: ClinVar variation 2832860 (VCV002832860.3), dbSNP rs767587816, ClinGen allele CA375631898.